The following is an entry in ClinVar:

ClinVar aggregate classification (germline): Uncertain significance (1 of 4 stars; one submission).

Conditions:
Alpha-methylacyl-CoA racemase deficiency (AMACRD). Also called: AMACR deficiency. Identifiers: Orphanet 79095, MedGen C3280428, MONDO:0013681, OMIM 614307. Disease mechanism: loss of function.

Allele frequency attached by ClinVar (database versions not stated): TOPMed below 0.00001; gnomAD 0.00001; gnomAD exomes 0.00003.
gnomAD v4.1: 27 of 1,613,982 alleles (0.0017%); highest among the groups gnomAD compares: African/African-American, 0.0027%; no homozygotes.

Submission:

Labcorp Genetics (formerly Invitae), Labcorp
Classification: Uncertain significance for Alpha-methylacyl-CoA racemase deficiency. Last evaluated: 2021-09-24. Review status: criteria provided, single submitter. Criteria: Invitae Variant Classification Sherloc (09022015). Collection method: clinical testing. Allele origin: germline.
Comment: This sequence change replaces arginine with glycine at codon 224 of the AMACR protein (p.Arg224Gly). The arginine residue is weakly conserved and there is a moderate physicochemical difference between arginine and glycine. This variant is not present in population databases (ExAC no frequency). This variant has not been reported in the literature in individuals with AMACR-related conditions. Algorithms developed to predict the effect of missense changes on protein structure and function are either unavailable or do not agree on the potential impact of this missense change (SIFT: "Tolerated"; PolyPhen-2: "Possibly Damaging"; Align-GVGD: "Class C0"). In summary, the available evidence is currently insufficient to determine the role of this variant in disease. Therefore, it has been classified as a Variant of Uncertain Significance.

NM_014324.6(AMACR):c.670A>G (p.Arg224Gly)

Genes: C1QTNF3-AMACR (C1QTNF3-AMACR readthrough (NMD candidate); minus strand), AMACR (alpha-methylacyl-CoA racemase; minus strand). Cytogenetic location: 5p13.2.
Variant type: single nucleotide variant.
Coding change: c.670A>G on transcript NM_014324.6 (MANE Select); coding-DNA position 670, A replaced by G.
Protein change: p.Arg224Gly; replaces arginine 224 with glycine.
Molecular consequence: missense variant. On other transcripts: non-coding transcript variant (1).
Genome position (GRCh38, 1-based): chr5:33,998,710, T>C on the plus strand (A>G on the coding strand, the complement: AMACR is on the minus strand). VCF-style: chr5-33998710-T-C. GRCh37 (hg19) VCF-style: chr5-33998815-T-C.
Other names: c.670A>G, p.Arg224Gly (NM_001167595.2); c.509A>G, p.Gln170Arg (NM_203382.3); short protein forms Q170R, R224G.
Identifiers: ClinVar variation 1412180 (VCV001412180.5), dbSNP rs1348790589, ClinGen allele CA359381409.